The following is an entry in ClinVar:

ClinVar aggregate classification (germline): Uncertain significance (1 of 4 stars; one submission).

Conditions:
Mitochondrial hypertrophic cardiomyopathy with lactic acidosis due to MTO1 deficiency. Also called: CARDIOMYOPATHY, INFANTILE HYPERTROPHIC MITOCHONDRIAL, AND LACTIC ACIDOSIS; Combined oxidative phosphorylation deficiency 10. Identifiers: Orphanet 314637, MedGen C4749921, MONDO:0013865, OMIM 614702.

Allele frequency attached by ClinVar (database versions not stated): gnomAD exomes below 0.00001; TOPMed 0.00001.
gnomAD v4.1: 3 of 1,614,088 alleles (0.00019%); highest among the groups gnomAD compares: Non-Finnish European, 0.00025%; no homozygotes.

Submission:

Labcorp Genetics (formerly Invitae), Labcorp
Classification: Uncertain significance for Mitochondrial hypertrophic cardiomyopathy with lactic acidosis due to MTO1 deficiency. Last evaluated: 2022-06-10. Review status: criteria provided, single submitter. Criteria: Invitae Variant Classification Sherloc (09022015). Collection method: clinical testing. Allele origin: germline.
Comment: This sequence change replaces asparagine, which is neutral and polar, with lysine, which is basic and polar, at codon 115 of the MTO1 protein (p.Asn115Lys). This variant is not present in population databases (gnomAD no frequency). This variant has not been reported in the literature in individuals affected with MTO1-related conditions. Algorithms developed to predict the effect of missense changes on protein structure and function are either unavailable or do not agree on the potential impact of this missense change (SIFT: "Deleterious"; PolyPhen-2: "Probably Damaging"; Align-GVGD: "Class C0"). In summary, the available evidence is currently insufficient to determine the role of this variant in disease. Therefore, it has been classified as a Variant of Uncertain Significance.

NM_012123.4(MTO1):c.345C>G (p.Asn115Lys)

Gene: MTO1 (mitochondrial tRNA translation optimization 1; plus strand). Cytogenetic location: 6q13.
Variant type: single nucleotide variant.
Coding change: c.345C>G on transcript NM_012123.4 (MANE Select); coding-DNA position 345, C replaced by G.
Protein change: p.Asn115Lys; replaces asparagine 115 with lysine.
Molecular consequence: missense variant.
Genome position (GRCh38, 1-based): chr6:73,466,336, C>G. VCF-style: chr6-73466336-C-G. GRCh37 (hg19) VCF-style: chr6-74176059-C-G.
Other names: c.345C>G, p.Asn115Lys (NM_001123226.2, NM_133645.3); short protein forms N115K.
Identifiers: ClinVar variation 1991550 (VCV001991550.4), dbSNP rs1166298535, ClinGen allele CA364712733.